The following is an entry in ClinVar:

NM_020975.6(RET):c.337A>T (p.Asn113Tyr)

Gene: RET (ret proto-oncogene; plus strand). Cytogenetic location: 10q11.21.
Variant type: single nucleotide variant.
Coding change: c.337A>T on transcript NM_020975.6 (MANE Select); coding-DNA position 337, A replaced by T.
Protein change: p.Asn113Tyr; replaces asparagine 113 with tyrosine.
Molecular consequence: missense variant. On other transcripts: intron variant (4).
Genome position (GRCh38, 1-based): chr10:43,100,722, A>T. VCF-style: chr10-43100722-A-T. GRCh37 (hg19) VCF-style: chr10-43596170-A-T.
Other names: c.337A>T, p.Asn113Tyr (NM_001406743.1, NM_001406744.1, NM_001406759.1 and 18 more transcripts); c.337A>T, p.Thr113Ser (NM_001406761.1, NM_001406762.1, NM_001406764.1 and 4 more transcripts); c.337A>T, p.Ser113Cys (NM_001406766.1, NM_001406767.1, NM_001406770.1); c.337A>T, p.Arg113Trp (NM_001406775.1, NM_001406776.1, NM_001406777.1 and 1 more transcripts); c.74-8309A>T (NM_001406784.1); c.74-11377A>T (NM_001406794.1, NM_001406792.1, NM_001406793.1); short protein forms N113Y, T113S, R113W, S113C.
Identifiers: ClinVar variation 4545375 (VCV004545375.1).

ClinVar aggregate classification (germline): Uncertain significance (1 of 4 stars; one submission).

Conditions:
Hereditary cancer-predisposing syndrome. Also called: Tumor predisposition; Hereditary Cancer Syndrome; Hereditary neoplastic syndrome; Neoplastic Syndromes, Hereditary. Identifiers: Orphanet 140162, MedGen C0027672, MeSH D009386, MONDO:0015356.

Submission:

Ambry Genetics
Classification: Uncertain significance for Hereditary cancer-predisposing syndrome. Last evaluated: 2025-10-02. Review status: criteria provided, single submitter. Criteria: Ambry Variant Classification Scheme 2023. Collection method: clinical testing. Allele origin: germline.
Comment: The p.N113Y variant (also known as c.337A>T), located in coding exon 2 of the RET gene, results from an A to T substitution at nucleotide position 337. The asparagine at codon 113 is replaced by tyrosine, an amino acid with dissimilar properties. This amino acid position is well conserved in available vertebrate species. In addition, the in silico prediction for this alteration is inconclusive. Based on the available evidence, the clinical significance of this variant remains unclear.